The following is an entry in ClinVar:

NM_000702.4(ATP1A2):c.2427G>A (p.Leu809=)

Gene: ATP1A2 (ATPase Na+/K+ transporting subunit alpha 2; plus strand). Cytogenetic location: 1q23.2.
Variant type: single nucleotide variant.
Coding change: c.2427G>A on transcript NM_000702.4 (MANE Select); coding-DNA position 2427, G replaced by A.
Protein change: p.Leu809=; no amino-acid change (leucine 809 retained).
Molecular consequence: synonymous variant.
Genome position (GRCh38, 1-based): chr1:160,135,981, G>A. VCF-style: chr1-160135981-G-A. GRCh37 (hg19) VCF-style: chr1-160105771-G-A.
Identifiers: ClinVar variation 380712 (VCV000380712.4), dbSNP rs369916877, ClinGen allele CA1194732.

ClinVar aggregate classification (germline): Likely benign. Review status: criteria provided, multiple submitters, no conflicts (2 of 4 stars). 2 submissions from 2 submitters: Likely benign (2). Last evaluated 2023-09-14.

Conditions:
Familial hemiplegic migraine. Identifiers: MedGen C0338484, MONDO:0000700.

Allele frequency attached by ClinVar (database versions not stated): gnomAD exomes below 0.00001 and 0.00001; ExAC 0.00001; ESP Exome Variant Server 0.00008.
gnomAD v4.1: 4 of 1,614,000 alleles (0.00025%); highest among the groups gnomAD compares: Non-Finnish European, 0.00034%; no homozygotes.

Submissions (2):

Labcorp Genetics (formerly Invitae), Labcorp
Classification: Likely benign for Familial hemiplegic migraine. Last evaluated: 2023-09-14. Review status: criteria provided, single submitter. Criteria: Invitae Variant Classification Sherloc (09022015). Collection method: clinical testing. Allele origin: germline.

GeneDx
Classification: Likely benign. Last evaluated: 2015-09-28. Review status: criteria provided, single submitter. Criteria: GeneDx Variant Classification (06012015). Collection method: clinical testing. Allele origin: germline. Affected: yes.
Comment: This variant is considered likely benign or benign based on one or more of the following criteria: it is a conservative change, it occurs at a poorly conserved position in the protein, it is predicted to be benign by multiple in silico algorithms, and/or has population frequency not consistent with disease.